The following is an entry in ClinVar:

ClinVar aggregate classification (germline): Uncertain significance (1 of 4 stars; one submission).

Submission:

Ambry Genetics
Classification: Uncertain significance. Last evaluated: 2026-01-18. Review status: criteria provided, single submitter. Criteria: Ambry Variant Classification Scheme 2023. Collection method: clinical testing. Allele origin: germline.
Comment: The p.L487W variant (also known as c.1460T>G), located in coding exon 10 of the RINT1 gene, results from a T to G substitution at nucleotide position 1460. The leucine at codon 487 is replaced by tryptophan, an amino acid with similar properties. This amino acid position is conserved. In addition, this alteration is predicted to be tolerated by in silico analysis. Based on the available evidence, the clinical significance of this variant remains unclear.

NM_021930.6(RINT1):c.1460T>G (p.Leu487Trp)

Gene: RINT1 (RAD50 interactor 1; plus strand). Cytogenetic location: 7q22.3.
Variant type: single nucleotide variant.
Coding change: c.1460T>G on transcript NM_021930.6 (MANE Select); coding-DNA position 1460, T replaced by G.
Protein change: p.Leu487Trp; replaces leucine 487 with tryptophan.
Molecular consequence: missense variant. On other transcripts: non-coding transcript variant (1).
Genome position (GRCh38, 1-based): chr7:105,551,696, T>G. VCF-style: chr7-105551696-T-G. GRCh37 (hg19) VCF-style: chr7-105192143-T-G.
Other names: c.437T>G, p.Leu146Trp (NM_001346603.2, NM_001346600.2); c.1226T>G, p.Leu409Trp (NM_001346599.2); c.536T>G, p.Leu179Trp (NM_001346601.2); short protein forms L146W, L179W, L409W, L487W.
Identifiers: ClinVar variation 4844516 (VCV004844516.1).